The following is an entry in ClinVar:

NM_002890.3(RASA1):c.2013A>T (p.Leu671Phe)

Genes: CCNH (cyclin H; minus strand), RASA1 (RAS p21 protein activator 1; plus strand). Cytogenetic location: 5q14.3.
Variant type: single nucleotide variant.
Coding change: c.2013A>T on transcript NM_002890.3 (MANE Select); coding-DNA position 2013, A replaced by T.
Protein change: p.Leu671Phe; replaces leucine 671 with phenylalanine.
Molecular consequence: missense variant. On other transcripts: intron variant (1).
Genome position (GRCh38, 1-based): chr5:87,376,394, A>T. VCF-style: chr5-87376394-A-T. GRCh37 (hg19) VCF-style: chr5-86672211-A-T.
Other names: c.1482A>T, p.Leu494Phe (NM_022650.3); c.933+18650T>A (NM_001364075.2); short protein forms L494F, L671F.
Identifiers: ClinVar variation 2858120 (VCV002858120.3), dbSNP rs2531347332, ClinGen allele CA360377925.

ClinVar aggregate classification (germline): Uncertain significance (1 of 4 stars; one submission).

Conditions:
Capillary malformation-arteriovenous malformation syndrome. Also called: Capillary malformation-arteriovenous malformation. Identifiers: Orphanet 137667, MedGen C1842180, MONDO:0012016.

Submission:

Labcorp Genetics (formerly Invitae), Labcorp
Classification: Uncertain significance for Capillary malformation-arteriovenous malformation syndrome. Last evaluated: 2023-05-01. Review status: criteria provided, single submitter. Criteria: Invitae Variant Classification Sherloc (09022015). Collection method: clinical testing. Allele origin: germline.
Comment: This sequence change replaces leucine, which is neutral and non-polar, with phenylalanine, which is neutral and non-polar, at codon 671 of the RASA1 protein (p.Leu671Phe). This variant is not present in population databases (gnomAD no frequency). This variant has not been reported in the literature in individuals affected with RASA1-related conditions. An algorithm developed to predict the effect of missense changes on protein structure and function (PolyPhen-2) suggests that this variant is likely to be disruptive. In summary, the available evidence is currently insufficient to determine the role of this variant in disease. Therefore, it has been classified as a Variant of Uncertain Significance.